The following is an entry in ClinVar:

NM_000038.6(APC):c.5838A>G (p.Ala1946=)

Gene: APC (APC regulator of Wnt signaling pathway; plus strand). Cytogenetic location: 5q22.2.
Variant type: single nucleotide variant.
Coding change: c.5838A>G on transcript NM_000038.6 (MANE Select); coding-DNA position 5838, A replaced by G.
Protein change: p.Ala1946=; no amino-acid change (alanine 1946 retained).
Molecular consequence: synonymous variant. On other transcripts: non-coding transcript variant (2).
Genome position (GRCh38, 1-based): chr5:112,841,432, A>G. VCF-style: chr5-112841432-A-G. GRCh37 (hg19) VCF-style: chr5-112177129-A-G.
Other names: c.5838A>G, p.Ala1946= (NM_001127510.3, NM_001354895.2, NM_001407450.1); c.5784A>G, p.Ala1928= (NM_001127511.3); c.5892A>G, p.Ala1964= (NM_001354896.2, NM_001407447.1, NM_001407448.1 and 1 more transcripts); c.5868A>G, p.Ala1956= (NM_001354897.2); c.5763A>G, p.Ala1921= (NM_001354898.2); c.5754A>G, p.Ala1918= (NM_001354899.2); c.5715A>G, p.Ala1905= (NM_001354900.2); c.5661A>G, p.Ala1887= (NM_001354901.2, NM_001407453.1); and 12 more.
Identifiers: ClinVar variation 3253769 (VCV003253769.4), dbSNP rs2149950539.
Genomic context (GRCh38, chr5:112,841,432, plus strand): 5'-ACTTCAGAAACAATCCACTTTTCCCCAGTCATCCAAAGACATACCAGACAGAGGGGCAGC[A>G]ACTGATGAAAAGTTACAGAATTTTGCTATTGAAAATACTCCGGTTTGCTTTTCTCATAAT-3'
Protein context (NP_000029.2, residues 1936-1956): SSKDIPDRGA[Ala1946=]TDEKLQNFAI

ClinVar aggregate classification (germline): Benign/Likely benign. Review status: criteria provided, multiple submitters, no conflicts (2 of 4 stars). 3 submissions from 3 submitters: Benign (1); Likely benign (2). Last evaluated 2026-01-26.

Conditions:
Hereditary cancer-predisposing syndrome. Also called: Hereditary neoplastic syndrome; Neoplastic Syndromes, Hereditary; Tumor predisposition; Hereditary Cancer Syndrome. Identifiers: Orphanet 140162, MedGen C0027672, MeSH D009386, MONDO:0015356.
Familial adenomatous polyposis 1 (FAP1). Also called: POLYPOSIS, ADENOMATOUS INTESTINAL; FAMILIAL ADENOMATOUS POLYPOSIS 1, ATTENUATED. Identifiers: MedGen C2713442, MONDO:0021056, OMIM 175100. Disease mechanism: loss of function.

Submissions (3):

Labcorp Genetics (formerly Invitae), Labcorp
Classification: Likely benign for Familial adenomatous polyposis 1. Last evaluated: 2026-01-26. Review status: criteria provided, single submitter. Criteria: Invitae Variant Classification Sherloc (09022015). Collection method: clinical testing. Allele origin: germline.

Ambry Genetics
Classification: Likely benign for Hereditary cancer-predisposing syndrome. Last evaluated: 2024-10-28. Review status: criteria provided, single submitter. Criteria: Ambry Variant Classification Scheme 2023. Collection method: clinical testing. Allele origin: germline.

Myriad Genetics, Inc.
Classification: Benign for Familial adenomatous polyposis 1. Last evaluated: 2024-04-02. Review status: criteria provided, single submitter. Criteria: Myriad Autosomal Dominant, Autosomal Recessive and X-Linked Classification Criteria (2023). Collection method: clinical testing. Allele origin: unknown.
Comment: This variant is considered benign. This variant is a silent/synonymous amino acid change and it is not expected to impact splicing.